The following is an entry in ClinVar:

NM_000152.5(GAA):c.1536C>A (p.Phe512Leu)

Gene: GAA (alpha glucosidase; plus strand). Cytogenetic location: 17q25.3.
Variant type: single nucleotide variant.
Coding change: c.1536C>A on transcript NM_000152.5 (MANE Select); coding-DNA position 1536, C replaced by A.
Protein change: p.Phe512Leu; replaces phenylalanine 512 with leucine.
Molecular consequence: missense variant.
Genome position (GRCh38, 1-based): chr17:80,110,825, C>A. VCF-style: chr17-80110825-C-A. GRCh37 (hg19) VCF-style: chr17-78084624-C-A.
Other names: c.1536C>A (LRG_673t1); c.1536C>A, p.Phe512Leu (NM_001079803.3, NM_001079804.3); short protein forms F512L.
Identifiers: ClinVar variation 429690 (VCV000429690.20), dbSNP rs143491365, ClinGen allele CA8815360.

ClinVar aggregate classification (germline): Uncertain significance. Review status: criteria provided, multiple submitters, no conflicts (2 of 4 stars). 7 submissions from 7 submitters: Uncertain significance (6). 1 of the submissions does not count toward it. Last evaluated 2023-04-03.

Conditions:
Cardiovascular phenotype. Identifiers: MedGen CN230736.
Glycogen storage disease, type II (IOPD). Also called: GLYCOGENOSIS, GENERALIZED, CARDIAC FORM; GSD II; POMPE DISEASE, INFANTILE-ONSET; GLYCOGEN STORAGE DISEASE II, INFANTILE-ONSET; ACID ALPHA-GLUCOSIDASE DEFICIENCY, INFANTILE-ONSET; GAA DEFICIENCY, INFANTILE-ONSET. Identifiers: Orphanet 365, MedGen C0017921, MONDO:0009290, OMIM 232300.

gnomAD v4.1: 16 of 1,613,994 alleles (0.00099%); highest among the groups gnomAD compares: African/African-American, 0.0027%; no homozygotes.

Submissions (7):

Ambry Genetics
Classification: Uncertain significance for Cardiovascular phenotype. Last evaluated: 2023-04-03. Review status: criteria provided, single submitter. Criteria: Ambry Variant Classification Scheme 2023. Collection method: clinical testing. Allele origin: germline.
Comment: The p.F512L variant (also known as c.1536C>A), located in coding exon 9 of the GAA gene, results from a C to A substitution at nucleotide position 1536. The phenylalanine at codon 512 is replaced by leucine, an amino acid with highly similar properties. This amino acid position is conserved. In addition, the in silico prediction for this alteration is inconclusive. Since supporting evidence is limited at this time, the clinical significance of this alteration remains unclear.

Mayo Clinic Laboratories, Mayo Clinic
Classification: Uncertain significance. Last evaluated: 2023-01-18. Review status: criteria provided, single submitter. Criteria: ACMG Guidelines, 2015. Collection method: clinical testing. Allele origin: germline. Observed: 1 variant allele.
Comment: PM2

Genome-Nilou Lab
Classification: Uncertain significance for Glycogen storage disease, type II. Last evaluated: 2021-09-05. Review status: criteria provided, single submitter. Criteria: ACMG Guidelines, 2015. Collection method: clinical testing. Allele origin: germline. Affected: no.

Labcorp Genetics (formerly Invitae), Labcorp
Classification: Uncertain significance for Glycogen storage disease, type II. Last evaluated: 2021-08-29. Review status: criteria provided, single submitter. Criteria: Invitae Variant Classification Sherloc (09022015). Collection method: clinical testing. Allele origin: germline.
Comment: This sequence change replaces phenylalanine with leucine at codon 512 of the GAA protein (p.Phe512Leu). The phenylalanine residue is highly conserved and there is a small physicochemical difference between phenylalanine and leucine. This variant is present in population databases (rs143491365, ExAC 0.002%). This variant has not been reported in the literature in individuals affected with GAA-related conditions. ClinVar contains an entry for this variant (Variation ID: 429690). Algorithms developed to predict the effect of missense changes on protein structure and function are either unavailable or do not agree on the potential impact of this missense change (SIFT: "Tolerated"; PolyPhen-2: "Possibly Damaging"; Align-GVGD: "Class C0"). In summary, the available evidence is currently insufficient to determine the role of this variant in disease. Therefore, it has been classified as a Variant of Uncertain Significance.

ARUP Laboratories, Molecular Genetics and Genomics, ARUP Laboratories
Classification: Uncertain significance. Last evaluated: 2017-07-07. Review status: criteria provided, single submitter. Criteria: ARUP Molecular Germline Variant Investigation Process. Collection method: clinical testing. Allele origin: germline.
Comment: The p.Phe512Leu variant (rs143491365) has not been reported in the medical literature nor has it been previously identified by our laboratory. This variant is listed in the Genome Aggregation Database (gnomAD) Browser with an overall population frequency of 0.0004 percent (identified 1 out of 246,118 chromosomes). The phenylalanine at position 512 is moderately conserved considering twelve species from human to bakerâ€™s yeast (Alamut v2.9.0), and computational analyses of the effects of the p.Phe512Leu variant on protein structure and function is conflicting (SIFT: damaging, MutationTaster: polymorphism, PolyPhen-2: probably damaging). Altogether, there is not enough evidence to classify the p.Phe512Leu variant with certainty.

GeneDx
Classification: Uncertain significance. Last evaluated: 2017-05-11. Review status: criteria provided, single submitter. Criteria: GeneDx Variant Classification (06012015). Collection method: clinical testing. Allele origin: germline. Affected: yes.
Comment: The F512L variant has not been published as a pathogenic variant, nor has it been reported as a benign variant to our knowledge. The F512L variant is not observed at a significant frequency in large population cohorts (Lek et al., 2016; 1000 Genomes Consortium et al., 2015; Exome Variant Server). This variant is a conservative amino acid substitution, which is not likely to impact secondary protein structure as these residues share similar properties. However, this substitution occurs at a position that is conserved in mammals, and missense variants in nearby residues (G514R; M515K) have been reported in the Human Gene Mutation Database in association with GSDII (Stenson et al., 2014). In silico analysis is inconsistent in its predictions as to whether or not the variant is damaging to the protein structure/function.

Natera, Inc.
Classification: Uncertain significance for Glycogen storage disease type II. Last evaluated: 2020-11-04. Review status: no assertion criteria provided. Collection method: clinical testing. Allele origin: germline. Not counted in ClinVar's aggregate classification.